The following is an entry in ClinVar:

ClinVar aggregate classification (germline): Uncertain significance (1 of 4 stars; one submission).

Conditions:
Intellectual developmental disorder, X-linked, syndromic, Raymond type. Also called: Syndromic X-linked intellectual disability Raymond type. Identifiers: MedGen C3275406, MONDO:0010427, OMIM 300799.

Submission:

Labcorp Genetics (formerly Invitae), Labcorp
Classification: Uncertain significance for Intellectual developmental disorder, X-linked, syndromic, Raymond type. Last evaluated: 2022-10-13. Review status: criteria provided, single submitter. Criteria: Invitae Variant Classification Sherloc (09022015). Collection method: clinical testing. Allele origin: germline.
Comment: This sequence change falls in intron 10 of the ZDHHC9 gene. It does not directly change the encoded amino acid sequence of the ZDHHC9 protein. It affects a nucleotide within the consensus splice site. This variant is not present in population databases (gnomAD no frequency). This variant has not been reported in the literature in individuals affected with ZDHHC9-related conditions. Variants that disrupt the consensus splice site are a relatively common cause of aberrant splicing (PMID: 17576681, 9536098). Algorithms developed to predict the effect of sequence changes on RNA splicing suggest that this variant may disrupt the consensus splice site. In summary, the available evidence is currently insufficient to determine the role of this variant in disease. Therefore, it has been classified as a Variant of Uncertain Significance.

Literature cited by the submitters: PubMed 17576681; PubMed 9536098.

NM_016032.4(ZDHHC9):c.978+6T>G

Gene: ZDHHC9 (zDHHC palmitoyltransferase 9; minus strand). Cytogenetic location: Xq26.1.
Variant type: single nucleotide variant.
Coding change: c.978+6T>G on transcript NM_016032.4 (MANE Select); 6 bases into the intron after coding-DNA position 978, T replaced by G.
Molecular consequence: intron variant.
Genome position (GRCh38, 1-based): chrX:129,810,899, A>C on the plus strand (T>G on the coding strand, the complement: ZDHHC9 is on the minus strand). VCF-style: chrX-129810899-A-C. GRCh37 (hg19) VCF-style: chrX-128944875-A-C.
Other names: c.978+6T>G (NM_001008222.3).
Identifiers: ClinVar variation 2019301 (VCV002019301.4), dbSNP rs2522181503, ClinGen allele CA2580101474.